The following is an entry in ClinVar:

ClinVar aggregate classification (germline): Uncertain significance (1 of 4 stars; one submission).

Submission:

Labcorp Genetics (formerly Invitae), Labcorp
Classification: Uncertain significance. Last evaluated: 2023-05-22. Review status: criteria provided, single submitter. Criteria: Invitae Variant Classification Sherloc (09022015). Collection method: clinical testing. Allele origin: germline.
Comment: In summary, the available evidence is currently insufficient to determine the role of this variant in disease. Therefore, it has been classified as a Variant of Uncertain Significance. Advanced modeling of protein sequence and biophysical properties (such as structural, functional, and spatial information, amino acid conservation, physicochemical variation, residue mobility, and thermodynamic stability) performed at Invitae indicates that this missense variant is not expected to disrupt CNGA3 protein function. ClinVar contains an entry for this variant (Variation ID: 2002462). This variant has not been reported in the literature in individuals affected with CNGA3-related conditions. This variant is not present in population databases (gnomAD no frequency). This sequence change replaces glutamic acid, which is acidic and polar, with glycine, which is neutral and non-polar, at codon 41 of the CNGA3 protein (p.Glu41Gly).

NM_001298.3(CNGA3):c.122A>G (p.Glu41Gly)

Gene: CNGA3 (cyclic nucleotide gated channel subunit alpha 3; plus strand). Cytogenetic location: 2q11.2.
Variant type: single nucleotide variant.
Coding change: c.122A>G on transcript NM_001298.3 (MANE Select); coding-DNA position 122, A replaced by G.
Protein change: p.Glu41Gly; replaces glutamic acid 41 with glycine.
Molecular consequence: missense variant.
Genome position (GRCh38, 1-based): chr2:98,377,707, A>G. VCF-style: chr2-98377707-A-G. GRCh37 (hg19) VCF-style: chr2-98994170-A-G.
Other names: c.122A>G, p.Glu41Gly (NM_001079878.2); short protein forms E41G.
Identifiers: ClinVar variation 2002462 (VCV002002462.4), dbSNP rs2466976730, ClinGen allele CA347830339.